The following is an entry in ClinVar:

NM_053025.4(MYLK):c.4054T>C (p.Trp1352Arg)

Gene: MYLK (myosin light chain kinase; minus strand). Cytogenetic location: 3q21.1.
Variant type: single nucleotide variant.
Coding change: c.4054T>C on transcript NM_053025.4 (MANE Select); coding-DNA position 4054, T replaced by C.
Protein change: p.Trp1352Arg; replaces tryptophan 1352 with arginine.
Molecular consequence: missense variant.
Genome position (GRCh38, 1-based): chr3:123,657,360, A>G on the plus strand (T>C on the coding strand, the complement: MYLK is on the minus strand). VCF-style: chr3-123657360-A-G. GRCh37 (hg19) VCF-style: chr3-123376207-A-G.
Other names: c.3526T>C, p.Trp1176Arg (NM_001321309.2); c.3847T>C, p.Trp1283Arg (NM_053026.4, NM_053028.4); c.4054T>C, p.Trp1352Arg (NM_053027.4); short protein forms W1352R, W1283R, W1176R.
Identifiers: ClinVar variation 342877 (VCV000342877.14), dbSNP rs886057859, ClinGen allele CA10614642.

ClinVar aggregate classification (germline): Uncertain significance. Review status: criteria provided, multiple submitters, no conflicts (2 of 4 stars). 2 submissions from 2 submitters: Uncertain significance (2). Last evaluated 2019-03-04.

Conditions:
Aortic aneurysm, familial thoracic 7 (AAT7). Also called: AORTIC DISSECTION, FAMILIAL, WITH OR WITHOUT AORTIC ANEURYSM. Identifiers: MedGen C3151077, MONDO:0013418, OMIM 613780.

Submissions (2):

Labcorp Genetics (formerly Invitae), Labcorp
Classification: Uncertain significance for Aortic aneurysm, familial thoracic 7. Last evaluated: 2019-03-04. Review status: criteria provided, single submitter. Criteria: Invitae Variant Classification Sherloc (09022015). Collection method: clinical testing. Allele origin: germline.
Comment: In summary, the available evidence is currently insufficient to determine the role of this variant in disease. Therefore, it has been classified as a Variant of Uncertain Significance. Algorithms developed to predict the effect of missense changes on protein structure and function are either unavailable or do not agree on the potential impact of this missense change (SIFT: "Deleterious"; PolyPhen-2: "Benign"; Align-GVGD: "Class C65"). ClinVar contains an entry for this variant (Variation ID: 342877). This variant is not present in population databases (ExAC no frequency). This sequence change replaces tryptophan with arginine at codon 1352 of the MYLK protein (p.Trp1352Arg). The tryptophan residue is highly conserved and there is a moderate physicochemical difference between tryptophan and arginine.

Illumina Laboratory Services, Illumina
Classification: Uncertain significance for Aortic aneurysm, familial thoracic 7. Last evaluated: 2018-01-13. Review status: criteria provided, single submitter. Criteria: ICSL Variant Classification Criteria 13 December 2019. Collection method: clinical testing. Allele origin: germline.